The following is an entry in ClinVar:

NM_000040.3(APOC3):c.55+63A>G

Gene: APOC3 (apolipoprotein C3; plus strand). Cytogenetic location: 11q23.3.
Variant type: single nucleotide variant.
Coding change: c.55+63A>G on transcript NM_000040.3 (MANE Select); 63 bases into the intron after coding-DNA position 55, A replaced by G.
Molecular consequence: intron variant.
Genome position (GRCh38, 1-based): chr11:116,830,700, A>G. VCF-style: chr11-116830700-A-G. GRCh37 (hg19) VCF-style: chr11-116701416-A-G.
Identifiers: ClinVar variation 1707178 (VCV001707178.2), dbSNP rs12721093, ClinGen allele CA229318375.

ClinVar aggregate classification (germline): Likely benign (1 of 4 stars; one submission).

Allele frequency attached by ClinVar (database versions not stated): TOPMed 0.00024; 1000 Genomes Project 30x 0.00062; gnomAD exomes 0.00076; 1000 Genomes Project 0.00080; gnomAD 0.00136.
gnomAD v4.1: 1,291 of 1,613,036 alleles (0.08%); highest among the groups gnomAD compares: Non-Finnish European, 0.039%; 11 homozygotes.

Submission:

GeneDx
Classification: Likely benign. Last evaluated: 2020-03-06. Review status: criteria provided, single submitter. Criteria: GeneDx Variant Classification Process June 2021. Collection method: clinical testing. Allele origin: germline. Affected: yes.
Comment: See Variant Classification Assertion Criteria.